The following is an entry in ClinVar:

NM_001009944.3(PKD1):c.4838C>G (p.Ala1613Gly)

Gene: PKD1 (polycystin 1, transient receptor potential channel interacting; minus strand). Cytogenetic location: 16p13.3.
Variant type: single nucleotide variant.
Coding change: c.4838C>G on transcript NM_001009944.3 (MANE Select); coding-DNA position 4838, C replaced by G.
Protein change: p.Ala1613Gly; replaces alanine 1613 with glycine.
Molecular consequence: missense variant.
Genome position (GRCh38, 1-based): chr16:2,110,329, G>C on the plus strand (C>G on the coding strand, the complement: PKD1 is on the minus strand). VCF-style: chr16-2110329-G-C. GRCh37 (hg19) VCF-style: chr16-2160330-G-C.
Other names: c.4838C>G, p.Ala1613Gly (NM_000296.4); short protein forms A1613G.
Identifiers: ClinVar variation 4531568 (VCV004531568.1).
Genomic context (GRCh38, chr16:2,110,329, plus strand): 5'-TCTATGAGCTGCAGGACATAGACGAAGATGCTGTCCTGGGCGGAGCCCACCTCGTTCTCA[G>C]CCGTGACGATGATATTGAAGGTGCCCACGGAGCGGAAGGTGTAAGAGATGGTAGGACCCC-3'
Protein context (NP_001009944.3, residues 1603-1623): SVGTFNIIVT[Ala1613Gly]ENEVGSAQDS

ClinVar aggregate classification (germline): Uncertain significance (1 of 4 stars; one submission).

Conditions:
Polycystic kidney disease, adult type (PKD1). Also called: Polycystic Kidney, Autosomal Dominant; POLYCYSTIC KIDNEY DISEASE, ADULT, TYPE I; Polycystic Kidney Disease 1, Autosomal Dominant; Polycystic kidney disease 1; Polycystic kidney disease 1, severe; POLYCYSTIC KIDNEY DISEASE 1 WITH OR WITHOUT POLYCYSTIC LIVER DISEASE. Identifiers: MedGen C3149841, MONDO:0008263, OMIM 173900.

Submission:

Victorian Clinical Genetics Services, Murdoch Childrens Research Institute
Classification: Uncertain significance for Polycystic kidney disease, adult type. Last evaluated: 2025-07-23. Review status: criteria provided, single submitter. Criteria: ACMG Guidelines, 2015. Collection method: clinical testing. Allele origin: germline. Affected: yes.
Comment: This variant is classified as VUS-3B. Evidence in support of pathogenic classification: Variant is absent from gnomAD (v2, v3 and v4). Additional information: Variant is predicted to result in a missense amino acid change from alanine to glycine; This variant is heterozygous; This gene is associated with autosomal dominant disease. Polycystic kidney disease 1 (MIM#173900) is predominantly caused by monoallelic variants, with rare reports of biallelic variants causing disease (OMIM); Alternative amino acid change(s) at the same position are present in gnomAD (Highest allele count: v4: 110 heterozygote(s), 0 homozygote(s)); This variant has no previous evidence of pathogenicity; No published evidence of segregation with disease has been identified for this variant; No published functional evidence has been identified for this variant; Another missense variant(s) comparable to the one identified in this case has inconclusive previous evidence for pathogenicity. p.(Ala1613Val) has been classified as a VUS by clinical laboratories in ClinVar. p.(Ala1613Asp) has also been classified as a VUS in ClinVar. These variants both have a higher Grantham score than p.(Ala1613Gly); Variant is located in the annotated PKD domain (DECIPHER); Missense variant with inconclusive in silico prediction and uninformative conservation; Loss of function is a known mechanism of disease in this gene and is associated with polycystic kidney disease 1 (MIM#173900); Inheritance information for this variant is not currently available in this individual.